The following is an entry in ClinVar:

NM_000089.4(COL1A2):c.1036-14G>T

Gene: COL1A2 (collagen type I alpha 2 chain; plus strand). Cytogenetic location: 7q21.3.
Variant type: single nucleotide variant.
Coding change: c.1036-14G>T on transcript NM_000089.4 (MANE Select); 14 bases into the intron before coding-DNA position 1036, G replaced by T.
Molecular consequence: intron variant.
Genome position (GRCh38, 1-based): chr7:94,410,228, G>T. VCF-style: chr7-94410228-G-T. GRCh37 (hg19) VCF-style: chr7-94039540-G-T.
Identifiers: ClinVar variation 360950 (VCV000360950.8), dbSNP rs114322680, ClinGen allele CA4346917.

ClinVar aggregate classification (germline): Conflicting classifications of pathogenicity. Review status: criteria provided, conflicting classifications (1 of 4 stars). 3 submissions from 2 submitters: Uncertain significance (1); Likely benign (2). Last evaluated 2025-12-10.

Conditions:
Osteogenesis imperfecta (OI). Identifiers: Orphanet 666, MedGen C0029434, MeSH D010013, MONDO:0019019.
Osteogenesis imperfecta type I (OI1). Also called: Lobstein disease; OI, TYPE I; OSTEOGENESIS IMPERFECTA TARDA; OSTEOGENESIS IMPERFECTA WITH BLUE SCLERAE; Classic Non-deforming Osteogenesis Imperfecta with Blue Sclerae; Osteogenesis imperfecta type 1. Identifiers: Orphanet 216796, Orphanet 666, MedGen C0023931, MONDO:0008146, OMIM 166200. Disease mechanism: loss of function.
Ehlers-Danlos syndrome, classic type, 1 (EDSCL1). Also called: EHLERS-DANLOS SYNDROME, GRAVIS TYPE; EHLERS-DANLOS SYNDROME, SEVERE CLASSIC TYPE; Ehlers-Danlos Syndrome, Classic Type, COL5A1-Related; EDS I; Ehlers-Danlos syndrome, type 1. Identifiers: MedGen C0268335, MONDO:0019567, OMIM 130000.
Ehlers-Danlos syndrome, arthrochalasia type, 2. Also called: EHLERS-DANLOS SYNDROME, TYPE VIIB, AUTOSOMAL DOMINANT. Identifiers: MedGen CN293783, MONDO:0040501, OMIM 617821.

Allele frequency attached by ClinVar (database versions not stated): TOPMed 0.00002.

Submissions (3):

Labcorp Genetics (formerly Invitae), Labcorp
Classification: Likely benign for Osteogenesis imperfecta type I; Ehlers-Danlos syndrome, classic type, 1. Last evaluated: 2025-12-10. Review status: criteria provided, single submitter. Criteria: Invitae Variant Classification Sherloc (09022015). Collection method: clinical testing. Allele origin: germline.

Illumina Laboratory Services, Illumina
Classification: Uncertain significance for Osteogenesis imperfecta. Last evaluated: 2018-01-13. Review status: criteria provided, single submitter. Criteria: ICSL Variant Classification Criteria 13 December 2019. Collection method: clinical testing. Allele origin: germline.

Illumina Laboratory Services, Illumina
Classification: Likely benign for Ehlers-Danlos syndrome, arthrochalasia type, 2. Last evaluated: 2018-01-13. Review status: criteria provided, single submitter. Criteria: ICSL Variant Classification Criteria 13 December 2019. Collection method: clinical testing. Allele origin: germline.
Comment: This variant was observed in the ICSL laboratory as part of a predisposition screen in an ostensibly healthy population. It had not been previously curated by ICSL or reported in the Human Gene Mutation Database (HGMD: prior to June 1st, 2018), and was therefore a candidate for classification through an automated scoring system. Utilizing variant allele frequency, disease prevalence and penetrance estimates, and inheritance mode, an automated score was calculated to assess if this variant is too frequent to cause the disease. Based on the score and internal cut-off values, a variant classified as likely benign is not then subjected to further curation. The score for this variant resulted in a classification of likely benign for this disease.